The following is an entry in ClinVar:

NM_000282.4(PCCA):c.915C>T (p.Ser305=)

Gene: PCCA (propionyl-CoA carboxylase subunit alpha; plus strand). Cytogenetic location: 13q32.3.
Variant type: single nucleotide variant.
Coding change: c.915C>T on transcript NM_000282.4 (MANE Select); coding-DNA position 915, C replaced by T.
Protein change: p.Ser305=; no amino-acid change (serine 305 retained).
Molecular consequence: synonymous variant. On other transcripts: 5 prime UTR variant (3), non-coding transcript variant (5).
Genome position (GRCh38, 1-based): chr13:100,273,196, C>T. VCF-style: chr13-100273196-C-T. GRCh37 (hg19) VCF-style: chr13-100925450-C-T.
Other names: c.837C>T, p.Ser279= (NM_001127692.3, NM_001352607.2, NM_001352608.2); c.915C>T, p.Ser305= (NM_001178004.2, NM_001352605.2, NM_001352606.2 and 1 more transcripts); c.-31C>T (NM_001352610.2, NM_001352611.2, NM_001352612.2).
Identifiers: ClinVar variation 2420855 (VCV002420855.4), dbSNP rs768758704, ClinGen allele CA7033451.

ClinVar aggregate classification (germline): Uncertain significance (1 of 4 stars; one submission).

Conditions:
Propionic acidemia (PROP). Also called: GLYCINEMIA, KETOTIC; HYPERGLYCINEMIA WITH KETOACIDOSIS AND LEUKOPENIA; KETOTIC HYPERGLYCINEMIA. Identifiers: Orphanet 35, MedGen C0268579, MONDO:0011628, OMIM 606054, HP:0003571.

Allele frequency attached by ClinVar (database versions not stated): gnomAD exomes below 0.00001; ExAC 0.00001; TOPMed 0.00002.
gnomAD v4.1: 2 of 1,611,816 alleles (0.00012%); highest among the groups gnomAD compares: Admixed American, 0.0033%; no homozygotes.

Submission:

Labcorp Genetics (formerly Invitae), Labcorp
Classification: Uncertain significance for Propionic acidemia. Last evaluated: 2022-05-19. Review status: criteria provided, single submitter. Criteria: Invitae Variant Classification Sherloc (09022015). Collection method: clinical testing. Allele origin: germline.
Comment: This sequence change affects codon 305 of the PCCA mRNA. It is a 'silent' change, meaning that it does not change the encoded amino acid sequence of the PCCA protein. It affects a nucleotide within the consensus splice site. This variant is present in population databases (rs768758704, gnomAD 0.003%). This variant has not been reported in the literature in individuals affected with PCCA-related conditions. Algorithms developed to predict the effect of sequence changes on RNA splicing suggest that this variant is not likely to affect RNA splicing. In summary, the available evidence is currently insufficient to determine the role of this variant in disease. Therefore, it has been classified as a Variant of Uncertain Significance.